The following is an entry in ClinVar:

NM_001350451.2(RBFOX3):c.181G>A (p.Glu61Lys)

Gene: RBFOX3 (RNA binding fox-1 homolog 3; minus strand). Cytogenetic location: 17q25.3.
Variant type: single nucleotide variant.
Coding change: c.181G>A on transcript NM_001350451.2 (MANE Select); coding-DNA position 181, G replaced by A.
Protein change: p.Glu61Lys; replaces glutamic acid 61 with lysine.
Molecular consequence: missense variant.
Genome position (GRCh38, 1-based): chr17:79,115,535, C>T on the plus strand (G>A on the coding strand, the complement: RBFOX3 is on the minus strand). VCF-style: chr17-79115535-C-T. GRCh37 (hg19) VCF-style: chr17-77111617-C-T.
Other names: c.181G>A, p.Glu61Lys (NM_001082575.3, NM_001350453.2, NM_001385804.1 and 43 more transcripts); short protein forms E61K.
Identifiers: ClinVar variation 2473176 (VCV002473176.4), dbSNP rs953830526, ClinGen allele CA294803983.

ClinVar aggregate classification (germline): Uncertain significance. Review status: criteria provided, multiple submitters, no conflicts (2 of 4 stars). 2 submissions from 2 submitters: Uncertain significance (2). Last evaluated 2025-03-17.

Conditions:
Idiopathic generalized epilepsy. Also called: Generalised epilepsy; EIG. Identifiers: MedGen C0270850, MONDO:0005579, OMIM 600669.

Allele frequency attached by ClinVar (database versions not stated): TOPMed 0.00003; gnomAD 0.00005.
gnomAD v4.1: 23 of 1,344,958 alleles (0.0017%); highest among the groups gnomAD compares: East Asian, 0.0091%; no homozygotes.

Submissions (2):

Labcorp Genetics (formerly Invitae), Labcorp
Classification: Uncertain significance for Idiopathic generalized epilepsy. Last evaluated: 2025-03-17. Review status: criteria provided, single submitter. Criteria: Invitae Variant Classification Sherloc (09022015). Collection method: clinical testing. Allele origin: germline.
Comment: This sequence change replaces glutamic acid, which is acidic and polar, with lysine, which is basic and polar, at codon 61 of the RBFOX3 protein (p.Glu61Lys). This variant is present in population databases (no rsID available, gnomAD 0.007%). This variant has not been reported in the literature in individuals affected with RBFOX3-related conditions. ClinVar contains an entry for this variant (Variation ID: 2473176). Invitae Evidence Modeling of protein sequence and biophysical properties (such as structural, functional, and spatial information, amino acid conservation, physicochemical variation, residue mobility, and thermodynamic stability) indicates that this missense variant is not expected to disrupt RBFOX3 protein function with a negative predictive value of 80%. In summary, the available evidence is currently insufficient to determine the role of this variant in disease. Therefore, it has been classified as a Variant of Uncertain Significance.

Ambry Genetics
Classification: Uncertain significance. Last evaluated: 2023-02-15. Review status: criteria provided, single submitter. Criteria: Ambry Variant Classification Scheme 2023. Collection method: clinical testing. Allele origin: germline.